The following is an entry in ClinVar:

NM_001081.4(CUBN):c.10656C>A (p.Asn3552Lys)

Gene: CUBN (cubilin; minus strand). Cytogenetic location: 10p13.
Variant type: single nucleotide variant.
Coding change: c.10656C>A on transcript NM_001081.4 (MANE Select); coding-DNA position 10656, C replaced by A.
Protein change: p.Asn3552Lys; replaces asparagine 3552 with lysine.
Molecular consequence: missense variant.
Genome position (GRCh38, 1-based): chr10:16,828,913, G>T on the plus strand (C>A on the coding strand, the complement: CUBN is on the minus strand). VCF-style: chr10-16828913-G-T. GRCh37 (hg19) VCF-style: chr10-16870912-G-T.
Other names: short protein forms N3552K.
Identifiers: ClinVar variation 299358 (VCV000299358.22), dbSNP rs1801232, ClinGen allele CA5422324.
Genomic context (GRCh38, chr10:16,828,913, plus strand): 5'-ATAGAGTGTGAGATAGTTCTGGACACAGTCTCCTGGATCGTCAATGCTGATGAAGTAGAA[G>T]TTGATGGTGACAAGCCTTCCAGCAGGAGCAACAAGGACCCACTCGCAGTACGTGTTGTTT-3'
Protein context (NP_001072.2, residues 3542-3562): VAPAGRLVTI[Asn3552Lys]FYFISIDDPG

ClinVar aggregate classification (germline): Benign. Review status: criteria provided, multiple submitters, no conflicts (2 of 4 stars). 7 submissions from 7 submitters: Benign (7). Last evaluated 2026-02-01.

Conditions:
Imerslund-Grasbeck syndrome type 1 (IGS1). Also called: Megaloblastic anemia 1, Finnish type; MEGALOBLASTIC ANEMIA, 1; Imerslund-Gräsbeck syndrome 1. Identifiers: MedGen C4016819, MONDO:0100156, OMIM 261100.
Imerslund-Grasbeck syndrome. Also called: ENTEROCYTE COBALAMIN MALABSORPTION; ENTEROCYTE INTRINSIC FACTOR RECEPTOR, DEFECT OF; Imerslund-Gräsbeck syndrome; PERNICIOUS ANEMIA, JUVENILE, DUE TO SELECTIVE INTESTINAL MALABSORPTION OF VITAMIN B12, WITH PROTEINURIA; Megaloblastic anemia due to inborn errors of metabolism. Identifiers: Orphanet 35858, MedGen C4551825, MONDO:0009853.

Allele frequency attached by ClinVar (database versions not stated): ESP Exome Variant Server 0.05567; TOPMed 0.05998; 1000 Genomes Project 30x 0.08042; 1000 Genomes Project 0.08227.
gnomAD v4.1: 132,265 of 1,614,018 alleles (8.2%); highest among the groups gnomAD compares: South Asian, 13%; 6,257 homozygotes.

Submissions (7):

Labcorp Genetics (formerly Invitae), Labcorp
Classification: Benign for Imerslund-Grasbeck syndrome. Last evaluated: 2026-02-01. Review status: criteria provided, single submitter. Criteria: Invitae Variant Classification Sherloc (09022015). Collection method: clinical testing. Allele origin: germline.

Blueprint Genetics
Classification: Benign. Last evaluated: 2024-11-27. Review status: criteria provided, single submitter. Criteria: ACMG Guidelines, 2015. Collection method: clinical testing. Allele origin: germline.

Mayo Clinic Laboratories, Mayo Clinic
Classification: Benign. Last evaluated: 2023-01-29. Review status: criteria provided, single submitter. Criteria: ACMG Guidelines, 2015. Collection method: clinical testing. Allele origin: germline. Observed: 32 variant alleles.

Genome-Nilou Lab
Classification: Benign for Imerslund-Grasbeck syndrome type 1. Last evaluated: 2021-07-30. Review status: criteria provided, single submitter. Criteria: ACMG Guidelines, 2015. Collection method: clinical testing. Allele origin: germline. Affected: no.

GeneDx
Classification: Benign. Last evaluated: 2018-08-10. Review status: criteria provided, single submitter. Criteria: GeneDx Variant Classification Process June 2021. Collection method: clinical testing. Allele origin: germline. Affected: yes.

Illumina Laboratory Services, Illumina
Classification: Benign for Imerslund-Grasbeck syndrome type 1. Last evaluated: 2018-01-13. Review status: criteria provided, single submitter. Criteria: ICSL Variant Classification Criteria 13 December 2019. Collection method: clinical testing. Allele origin: germline.
Comment: This variant was observed in the ICSL laboratory as part of a predisposition screen in an ostensibly healthy population. It had not been previously curated by ICSL or reported in the Human Gene Mutation Database (HGMD: prior to June 1st, 2018), and was therefore a candidate for classification through an automated scoring system. Utilizing variant allele frequency, disease prevalence and penetrance estimates, and inheritance mode, an automated score was calculated to assess if this variant is too frequent to cause the disease. Based on the score and internal cut-off values, a variant classified as benign is not then subjected to further curation. The score for this variant resulted in a classification of benign for this disease.

Breakthrough Genomics
Classification: Benign. Review status: criteria provided, single submitter. Criteria: ACMG Guidelines, 2015. Collection method: not provided. Allele origin: germline. Inheritance: Autosomal recessive inheritance. Affected: yes.